The following is an entry in ClinVar:

NM_000096.4(CP):c.461A>C (p.Gln154Pro)

Gene: CP (ceruloplasmin; minus strand). Cytogenetic location: 3q25.1.
Variant type: single nucleotide variant.
Coding change: c.461A>C on transcript NM_000096.4 (MANE Select); coding-DNA position 461, A replaced by C.
Protein change: p.Gln154Pro; replaces glutamine 154 with proline.
Molecular consequence: missense variant. On other transcripts: non-coding transcript variant (1).
Genome position (GRCh38, 1-based): chr3:149,210,313, T>G on the plus strand (A>C on the coding strand, the complement: CP is on the minus strand). VCF-style: chr3-149210313-T-G. GRCh37 (hg19) VCF-style: chr3-148928100-T-G.
Other names: short protein forms Q154P.
Identifiers: ClinVar variation 1965567 (VCV001965567.5), dbSNP rs146101316, ClinGen allele CA354918019.

ClinVar aggregate classification (germline): Uncertain significance (1 of 4 stars; one submission).

Conditions:
Deficiency of ferroxidase (ACEP). Also called: Ceruloplasmin deficiency; Familial apoceruloplasmin deficiency; Hereditary ceruloplasmin deficiency; NEURODEGENERATION WITH BRAIN IRON ACCUMULATION 10; Aceruloplasminemia; Deficiency of ceruloplasmin. Identifiers: Orphanet 48818, MedGen C0878682, MONDO:0011426, OMIM 604290, HP:0025498.

gnomAD v4.1: 2 of 1,614,022 alleles (0.00012%); highest among the groups gnomAD compares: Non-Finnish European, 0.00017%; no homozygotes.

Submission:

Labcorp Genetics (formerly Invitae), Labcorp
Classification: Uncertain significance for Deficiency of ferroxidase. Last evaluated: 2024-10-15. Review status: criteria provided, single submitter. Criteria: Invitae Variant Classification Sherloc (09022015). Collection method: clinical testing. Allele origin: germline.
Comment: This sequence change replaces glutamine, which is neutral and polar, with proline, which is neutral and non-polar, at codon 154 of the CP protein (p.Gln154Pro). This variant is not present in population databases (gnomAD no frequency). This variant has not been reported in the literature in individuals affected with CP-related conditions. ClinVar contains an entry for this variant (Variation ID: 1965567). Invitae Evidence Modeling of protein sequence and biophysical properties (such as structural, functional, and spatial information, amino acid conservation, physicochemical variation, residue mobility, and thermodynamic stability) indicates that this missense variant is not expected to disrupt CP protein function with a negative predictive value of 80%. In summary, the available evidence is currently insufficient to determine the role of this variant in disease. Therefore, it has been classified as a Variant of Uncertain Significance.